The following is an entry in ClinVar:

ClinVar aggregate classification (germline): Uncertain significance (1 of 4 stars; one submission).

Conditions:
Craniolenticulosutural dysplasia (CLSD). Also called: BOYADJIEV-JABS SYNDROME. Identifiers: Orphanet 50814, MedGen C1843042, MONDO:0011911, OMIM 607812.

Allele frequency attached by ClinVar (database versions not stated): gnomAD exomes below 0.00001.
gnomAD v4.1: 1 of 1,613,152 alleles (0.000062%); highest among the groups gnomAD compares: South Asian, 0.0011%; no homozygotes.

Submission:

Labcorp Genetics (formerly Invitae), Labcorp
Classification: Uncertain significance for Craniolenticulosutural dysplasia. Last evaluated: 2025-06-12. Review status: criteria provided, single submitter. Criteria: Invitae Variant Classification Sherloc (09022015). Collection method: clinical testing. Allele origin: germline.
Comment: This sequence change creates a premature translational stop signal (p.Ser425*) in the SEC23A gene. It is expected to result in an absent or disrupted protein product. However, the current clinical and genetic evidence is not sufficient to establish whether loss-of-function variants in SEC23A cause disease. This variant is not present in population databases (gnomAD no frequency). This variant has not been reported in the literature in individuals affected with SEC23A-related conditions. ClinVar contains an entry for this variant (Variation ID: 2720525). In summary, the available evidence is currently insufficient to determine the role of this variant in disease. Therefore, it has been classified as a Variant of Uncertain Significance.

NM_006364.4(SEC23A):c.1274C>G (p.Ser425Ter)

Gene: SEC23A (SEC23 homolog A, COPII component; minus strand). Cytogenetic location: 14q21.1.
Variant type: single nucleotide variant.
Coding change: c.1274C>G on transcript NM_006364.4 (MANE Select); coding-DNA position 1274, C replaced by G.
Protein change: p.Ser425Ter; replaces serine 425 with a stop codon.
Molecular consequence: nonsense.
Genome position (GRCh38, 1-based): chr14:39,064,947, G>C on the plus strand (C>G on the coding strand, the complement: SEC23A is on the minus strand). VCF-style: chr14-39064947-G-C. GRCh37 (hg19) VCF-style: chr14-39534151-G-C.
Other names: short protein forms S425*.
Identifiers: ClinVar variation 2720525 (VCV002720525.3), dbSNP rs2548620967, ClinGen allele CA389534956.